The following is an entry in ClinVar:

NM_000264.5(PTCH1):c.926C>T (p.Pro309Leu)

Gene: PTCH1 (patched 1; minus strand). Cytogenetic location: 9q22.32.
Variant type: single nucleotide variant.
Coding change: c.926C>T on transcript NM_000264.5 (MANE Select); coding-DNA position 926, C replaced by T.
Protein change: p.Pro309Leu; replaces proline 309 with leucine.
Molecular consequence: missense variant. On other transcripts: non-coding transcript variant (1).
Genome position (GRCh38, 1-based): chr9:95,480,409, G>A on the plus strand (C>T on the coding strand, the complement: PTCH1 is on the minus strand). VCF-style: chr9-95480409-G-A. GRCh37 (hg19) VCF-style: chr9-98242691-G-A.
Other names: c.728C>T, p.Pro243Leu (NM_001083602.3); c.923C>T, p.Pro308Leu (NM_001083603.3); c.473C>T, p.Pro158Leu (NM_001083604.3, NM_001083605.3, NM_001083606.3 and 1 more transcripts); c.926C>T, p.Pro309Leu (NM_001354918.2); short protein forms P309L, P243L, P308L, P158L.
Identifiers: ClinVar variation 453919 (VCV000453919.9), dbSNP rs762382517, ClinGen allele CA5138816.

ClinVar aggregate classification (germline): Conflicting classifications of pathogenicity. Review status: criteria provided, conflicting classifications (1 of 4 stars). 2 submissions from 2 submitters: Uncertain significance (1); Likely benign (1). Last evaluated 2026-01-20.

Conditions:
Hereditary cancer-predisposing syndrome. Also called: Tumor predisposition; Hereditary Cancer Syndrome; Neoplastic Syndromes, Hereditary; Hereditary neoplastic syndrome. Identifiers: Orphanet 140162, MedGen C0027672, MeSH D009386, MONDO:0015356.
Gorlin syndrome. Also called: Basal cell nevus syndrome; Nevoid Basal Cell Carcinoma Syndrome. Identifiers: Orphanet 377, MedGen C0004779, MONDO:0007187.

Allele frequency attached by ClinVar (database versions not stated): gnomAD exomes below 0.00001 and 0.00001; ExAC 0.00001; gnomAD 0.00001.
gnomAD v4.1: 6 of 1,610,688 alleles (0.00037%); highest among the groups gnomAD compares: African/African-American, 0.0014%; no homozygotes.

Submissions (2):

Labcorp Genetics (formerly Invitae), Labcorp
Classification: Likely benign for Gorlin syndrome. Last evaluated: 2026-01-20. Review status: criteria provided, single submitter. Criteria: Invitae Variant Classification Sherloc (09022015). Collection method: clinical testing. Allele origin: germline.

Ambry Genetics
Classification: Uncertain significance for Hereditary cancer-predisposing syndrome. Last evaluated: 2024-02-19. Review status: criteria provided, single submitter. Criteria: Ambry Variant Classification Scheme 2023. Collection method: clinical testing. Allele origin: germline.
Comment: The p.P309L variant (also known as c.926C>T), located in coding exon 6 of the PTCH1 gene, results from a C to T substitution at nucleotide position 926. The proline at codon 309 is replaced by leucine, an amino acid with similar properties. This amino acid position is highly conserved in available vertebrate species. In addition, this alteration is predicted to be deleterious by in silico analysis. Based on the available evidence, the clinical significance of this alteration remains unclear.